The following is an entry in ClinVar:

NM_001166108.2(PALLD):c.200T>C (p.Ile67Thr)

Gene: PALLD (palladin, cytoskeletal associated protein; plus strand). Cytogenetic location: 4q32.3.
Variant type: single nucleotide variant.
Coding change: c.200T>C on transcript NM_001166108.2 (MANE Select); coding-DNA position 200, T replaced by C.
Protein change: p.Ile67Thr; replaces isoleucine 67 with threonine.
Molecular consequence: missense variant.
Genome position (GRCh38, 1-based): chr4:168,511,704, T>C. VCF-style: chr4-168511704-T-C. GRCh37 (hg19) VCF-style: chr4-169432855-T-C.
Other names: c.200T>C, p.Ile67Thr (NM_016081.4); short protein forms I67T.
Identifiers: ClinVar variation 1784389 (VCV001784389.2), dbSNP rs767909709, ClinGen allele CA3135317.

ClinVar aggregate classification (germline): Uncertain significance (1 of 4 stars; one submission).

Allele frequency attached by ClinVar (database versions not stated): ExAC 0.00001; gnomAD exomes 0.00001.
gnomAD v4.1: 12 of 1,614,160 alleles (0.00074%); highest among the groups gnomAD compares: Non-Finnish European, 0.001%; no homozygotes.

Submission:

Ambry Genetics
Classification: Uncertain significance. Last evaluated: 2023-12-24. Review status: criteria provided, single submitter. Criteria: Ambry Variant Classification Scheme 2023. Collection method: clinical testing. Allele origin: germline.
Comment: The p.I67T variant (also known as c.200T>C), located in coding exon 1 of the PALLD gene, results from a T to C substitution at nucleotide position 200. The isoleucine at codon 67 is replaced by threonine, an amino acid with similar properties. This amino acid position is conserved. In addition, this alteration is predicted to be tolerated by in silico analysis. Since supporting evidence is limited at this time, the clinical significance of this alteration remains unclear.